The following is an entry in ClinVar:

ClinVar aggregate classification (germline): Uncertain significance (1 of 4 stars; one submission).

gnomAD v4.1: 3 of 1,613,186 alleles (0.00019%); highest among the groups gnomAD compares: Admixed American, 0.0017%; no homozygotes.

Submission:

GeneDx
Classification: Uncertain significance. Last evaluated: 2025-06-09. Review status: criteria provided, single submitter. Criteria: GeneDx Variant Classification Process June 2021. Collection method: clinical testing. Allele origin: germline. Affected: yes.
Comment: Not observed at significant frequency in large population cohorts (gnomAD); In silico analysis supports that this missense variant has a deleterious effect on protein structure/function; Has not been previously published as pathogenic or benign to our knowledge

NM_032119.4(ADGRV1):c.2056G>C (p.Ala686Pro)

Gene: ADGRV1 (adhesion G protein-coupled receptor V1; plus strand). Cytogenetic location: 5q14.3.
Variant type: single nucleotide variant.
Coding change: c.2056G>C on transcript NM_032119.4 (MANE Select); coding-DNA position 2056, G replaced by C.
Protein change: p.Ala686Pro; replaces alanine 686 with proline.
Molecular consequence: missense variant. On other transcripts: non-coding transcript variant (1).
Genome position (GRCh38, 1-based): chr5:90,637,764, G>C. VCF-style: chr5-90637764-G-C. GRCh37 (hg19) VCF-style: chr5-89933581-G-C.
Other names: short protein forms A686P.
Identifiers: ClinVar variation 4537961 (VCV004537961.1).
Genomic context (GRCh38, chr5:90,637,764, plus strand): 5'-CTGTTCTTTTCTTTTTATAAGGTATACATTCCCTTACATCGGGATGGAACTGATGGCCAG[G>C]CTACTGTCTACTGGAGTTTGAAGCCCTCTGGCTTTAATTCAAAAGCAGTGACCCCGGATG-3'
Protein context (NP_115495.3, residues 676-696): PLHRDGTDGQ[Ala686Pro]TVYWSLKPSG